The following is an entry in ClinVar:

NM_005618.4(DLL1):c.862+3A>T

Gene: DLL1 (delta like canonical Notch ligand 1; minus strand). Cytogenetic location: 6q27.
Variant type: single nucleotide variant.
Coding change: c.862+3A>T on transcript NM_005618.4 (MANE Select); 3 bases into the intron after coding-DNA position 862, A replaced by T.
Molecular consequence: intron variant.
Genome position (GRCh38, 1-based): chr6:170,285,566, T>A on the plus strand (A>T on the coding strand, the complement: DLL1 is on the minus strand). VCF-style: chr6-170285566-T-A. GRCh37 (hg19) VCF-style: chr6-170594654-T-A.
Identifiers: ClinVar variation 3376231 (VCV003376231.1).
Genomic context (GRCh38, chr6:170,285,566, plus strand): 5'-ACAGCCAGGGAAGTCCAGGGCTGCTCTGGAGGGAGCAGGCTGCCTCAGGGAGAGAAGGCT[T>A]ACCCTGGTTGCAGAAAAGGCCCCCCCAGCCTTCCTGGCAGTTGCACTGCCAGGGCTGCTG-3'

ClinVar aggregate classification (germline): Uncertain significance (1 of 4 stars; one submission).

Conditions:
Neurodevelopmental disorder with nonspecific brain abnormalities and with or without seizures. Identifiers: MedGen C5231470, MONDO:0032877, OMIM 618709.

Submission:

Pittsburgh Clinical Genomics Laboratory, University of Pittsburgh Medical Center
Classification: Uncertain significance for Neurodevelopmental disorder with nonspecific brain abnormalities and with or without seizures. Last evaluated: 2022-04-22. Review status: criteria provided, single submitter. Criteria: ACMG Guidelines, 2015. Collection method: clinical testing. Allele origin: germline. Inheritance: Autosomal dominant inheritance. Affected: yes.
Comment: This sequence variant is a single nucleotide substitution (A>T) 3 nucleotides downstream from the end of exon 6 of DLL1. This is a novel variant that has not been observed in the literature in individuals with DLL1-related disease, or in repositories of clinically annotated variants (ClinVar), to our knowledge. This variant is absent from control population datasets (gnomAD database 0 of ~250,000 alleles). Bioinformatic tools predict that this variant may have a moderate effect on gene splicing, but this effect has not been confirmed by R sequencing studies, to our knowledge. At this time, there is insufficient evidence to determine if this variant is pathogenic or benign. Therefore, we consider this to be a variant of uncertain significance. ACMG Criteria: PM2